The following is an entry in ClinVar:

ClinVar aggregate classification (germline): Uncertain significance (1 of 4 stars; one submission).

Submission:

Ambry Genetics
Classification: Uncertain significance. Last evaluated: 2021-12-12. Review status: criteria provided, single submitter. Criteria: Ambry Variant Classification Scheme 2023. Collection method: clinical testing. Allele origin: germline.
Comment: The p.D1795H variant (also known as c.5383G>C), located in coding exon 16 of the POLQ gene, results from a G to C substitution at nucleotide position 5383. The aspartic acid at codon 1795 is replaced by histidine, an amino acid with similar properties. This amino acid position is conserved. In addition, this alteration is predicted to be tolerated by in silico analysis. Since supporting evidence is limited at this time, the clinical significance of this alteration remains unclear.

NM_199420.4(POLQ):c.5383G>C (p.Asp1795His)

Gene: POLQ (DNA polymerase theta; minus strand). Cytogenetic location: 3q13.33.
Variant type: single nucleotide variant.
Coding change: c.5383G>C on transcript NM_199420.4 (MANE Select); coding-DNA position 5383, G replaced by C.
Protein change: p.Asp1795His; replaces aspartic acid 1795 with histidine.
Molecular consequence: missense variant.
Genome position (GRCh38, 1-based): chr3:121,487,548, C>G on the plus strand (G>C on the coding strand, the complement: POLQ is on the minus strand). VCF-style: chr3-121487548-C-G. GRCh37 (hg19) VCF-style: chr3-121206395-C-G.
Other names: short protein forms D1795H.
Identifiers: ClinVar variation 1747186 (VCV001747186.2), dbSNP rs2546784801, ClinGen allele CA354090335.